The following is an entry in ClinVar:

NM_000071.3(CBS):c.256del (p.Asp86fs)

Gene: CBS (cystathionine beta-synthase; minus strand). Cytogenetic location: 21q22.3.
Variant type: Deletion.
Coding change: c.256del on transcript NM_000071.3 (MANE Select); coding-DNA position 256, one base deleted (G; older notation c.256delG).
Protein change: p.Asp86fs; shifts the reading frame from aspartic acid 86.
Molecular consequence: frameshift variant.
Genome position (GRCh38, 1-based): chr21:43,068,569, C deleted on the plus strand (G on the coding strand, the reverse complement: CBS is on the minus strand); the first of 4 consecutive C bases (chr21:43,068,569-43,068,572); deleting any one gives the same sequence. VCF-style (leftmost placement, unchanged base first): chr21-43068568-TC-T. GRCh37 (hg19) VCF-style: chr21-44488678-TC-T.
Other names: c.256del, p.Asp86fs (NM_001178008.3, NM_001178009.3, NM_001320298.2); short protein forms D86fs.
Identifiers: ClinVar variation 1449016 (VCV001449016.6), dbSNP rs1208139876, ClinGen allele CA749580901.
Genomic context (GRCh38, chr21:43,068,568, plus strand): 5'-CAGAGCTCACACTTCAGGCCGAACTTCTTCCCAATCTTGTTGATTCTGACCATAGGGGTG[TC>T]CCCGATTTTCTTCAGAATATCTGGCAAGATTTTTGGAGATTTTGCCCTGAAACAGAGGAG-3'

ClinVar aggregate classification (germline): Pathogenic (1 of 4 stars; one submission).

Conditions:
HYPERHOMOCYSTEINEMIA, THROMBOTIC, CBS-RELATED. Identifiers: MedGen C3150344, OMIM 236200.

Submission:

Labcorp Genetics (formerly Invitae), Labcorp
Classification: Pathogenic for HYPERHOMOCYSTEINEMIA, THROMBOTIC, CBS-RELATED. Last evaluated: 2025-07-13. Review status: criteria provided, single submitter. Criteria: Invitae Variant Classification Sherloc (09022015). Collection method: clinical testing. Allele origin: germline.
Comment: This sequence change creates a premature translational stop signal (p.Asp86Thrfs*16) in the CBS gene. It is expected to result in an absent or disrupted protein product. Loss-of-function variants in CBS are known to be pathogenic (PMID: 10338090, 12124992). This variant is present in population databases (no rsID available, gnomAD 0.003%). This variant has not been reported in the literature in individuals affected with CBS-related conditions. ClinVar contains an entry for this variant (Variation ID: 1449016). For these reasons, this variant has been classified as Pathogenic.

Literature cited by the submitters: PubMed 10338090; PubMed 12124992.